The following is an entry in ClinVar:

NM_001267550.2(TTN):c.71270dup (p.Pro23758fs)

Genes: TTN-AS1 (TTN antisense RNA 1; plus strand), TTN (titin; minus strand). Cytogenetic location: 2q31.2.
Variant type: Duplication.
Coding change: c.71270dup on transcript NM_001267550.2 (MANE Select); coding-DNA position 71270, one base duplicated (T; older notation c.71270dupT).
Protein change: p.Pro23758fs; shifts the reading frame from proline 23758.
Molecular consequence: frameshift variant.
Genome position (GRCh38, 1-based): chr2:178,574,862, A duplicated on the plus strand (T on the coding strand, the reverse complement: TTN is on the minus strand). VCF-style (leftmost placement, unchanged base first): chr2-178574861-T-TA. GRCh37 (hg19) VCF-style: chr2-179439588-T-TA.
Other names: c.66347dup, p.Pro22117fs (NM_001256850.1); c.44075dup, p.Pro14693fs (NM_003319.4); c.63566dup, p.Pro21190fs (NM_133378.4); c.44450dup, p.Pro14818fs (NM_133432.3); c.44651dup, p.Pro14885fs (NM_133437.4); short protein forms P14693fs, P22117fs, P21190fs, P23758fs, P14818fs, P14885fs.
Identifiers: ClinVar variation 4784380 (VCV004784380.1).
Genomic context (GRCh38, chr2:178,574,861, plus strand): 5'-TAACTCAACCCAGGTAGTACTGTCAGTCTGCCGCATTTCCACTACATAGTTGCTTATTGG[T>TA]ACACCACCATCGTTCTCAGGTGGGTCCCAAGAGAAGGTTACAAAATCAGATGAAACTTCA-3'

ClinVar aggregate classification (germline): Likely pathogenic (1 of 4 stars; one submission).

Conditions:
Dilated cardiomyopathy 1G (CMD1G). Identifiers: Orphanet 154, MedGen C1858763, MONDO:0011400, OMIM 604145.
Autosomal recessive limb-girdle muscular dystrophy type 2J (LGMDR10). Also called: Limb-girdle muscular dystrophy, type 2J; MUSCULAR DYSTROPHY, LIMB-GIRDLE, AUTOSOMAL RECESSIVE 10. Identifiers: Orphanet 140922, MedGen C1837342, MONDO:0012127, OMIM 608807.

Submission:

Labcorp Genetics (formerly Invitae), Labcorp
Classification: Likely pathogenic for Dilated cardiomyopathy 1G; Autosomal recessive limb-girdle muscular dystrophy type 2J. Last evaluated: 2025-07-30. Review status: criteria provided, single submitter. Criteria: Invitae Variant Classification Sherloc (09022015). Collection method: clinical testing. Allele origin: germline.
Comment: This sequence change creates a premature translational stop signal (p.Pro23758Thrfs*13) in the TTN gene. While this is not anticipated to result in nonsense mediated decay, it is expected to create a truncated TTN protein. This variant is not present in population databases (gnomAD no frequency). This variant has not been reported in the literature in individuals affected with TTN-related conditions. This variant is located in the A band of TTN (PMID: 25589632). Truncating variants in this region are significantly overrepresented in patients affected with dilated cardiomyopathy (PMID: 25589632). Truncating variants in this region have also been reported in individuals affected with autosomal recessive centronuclear myopathy (PMID: 23975875). In summary, the currently available evidence indicates that the variant is pathogenic, but additional data are needed to prove that conclusively. Therefore, this variant has been classified as Likely Pathogenic.

Literature cited by the submitters: PubMed 25589632; PubMed 23975875.